The following is an entry in ClinVar:

NM_000232.5(SGCB):c.579dup (p.Gly194fs)

Gene: SGCB (sarcoglycan beta; minus strand). Cytogenetic location: 4q12.
Variant type: Duplication.
Coding change: c.579dup on transcript NM_000232.5 (MANE Select); coding-DNA position 579, one base duplicated (T; older notation c.579dupT).
Protein change: p.Gly194fs; shifts the reading frame from glycine 194.
Molecular consequence: frameshift variant.
Genome position (GRCh38, 1-based): chr4:52,028,772, A duplicated on the plus strand (T on the coding strand, the reverse complement: SGCB is on the minus strand). VCF-style (leftmost placement, unchanged base first): chr4-52028771-C-CA. GRCh37 (hg19) VCF-style: chr4-52894937-C-CA.
Other names: short protein forms G194fs.
Identifiers: ClinVar variation 1364546 (VCV001364546.6), dbSNP rs2109370922, ClinGen allele CA2573137892.

ClinVar aggregate classification (germline): Pathogenic (1 of 4 stars; one submission).

Conditions:
Autosomal recessive limb-girdle muscular dystrophy type 2E (LGMDR4). Also called: MUSCULAR DYSTROPHY, LIMB-GIRDLE, AUTOSOMAL RECESSIVE 4. Identifiers: Orphanet 119, MedGen C1858593, MONDO:0011423, OMIM 604286. Disease mechanism: Affects gamma-sarcoglycan and also disrupts the integrity of the entire sarcoglycan complex..

Submission:

Labcorp Genetics (formerly Invitae), Labcorp
Classification: Pathogenic for Autosomal recessive limb-girdle muscular dystrophy type 2E. Last evaluated: 2021-09-20. Review status: criteria provided, single submitter. Criteria: Invitae Variant Classification Sherloc (09022015). Collection method: clinical testing. Allele origin: germline.
Comment: This variant is not present in population databases (ExAC no frequency). This variant has not been reported in the literature in individuals affected with SGCB-related conditions. For these reasons, this variant has been classified as Pathogenic. This sequence change creates a premature translational stop signal (p.Gly194Trpfs*13) in the SGCB gene. It is expected to result in an absent or disrupted protein product. Loss-of-function variants in SGCB are known to be pathogenic (PMID: 15938573, 18285821).

Literature cited by the submitters: PubMed 15938573; PubMed 18285821.